The following is an entry in ClinVar:

NM_014314.4(RIGI):c.1621T>C (p.Tyr541His)

Gene: RIGI (RNA sensor RIG-I; minus strand). Cytogenetic location: 9p21.1.
Variant type: single nucleotide variant.
Coding change: c.1621T>C on transcript NM_014314.4 (MANE Select); coding-DNA position 1621, T replaced by C.
Protein change: p.Tyr541His; replaces tyrosine 541 with histidine.
Molecular consequence: missense variant.
Genome position (GRCh38, 1-based): chr9:32,481,357, A>G on the plus strand (T>C on the coding strand, the complement: RIGI is on the minus strand). VCF-style: chr9-32481357-A-G. GRCh37 (hg19) VCF-style: chr9-32481355-A-G.
Other names: c.1621T>C (NM_014314.3); c.1615T>C, p.Tyr539His (NM_001385907.1); c.1621T>C, p.Tyr541His (NM_001385909.1); c.1180T>C, p.Tyr394His (NM_001385910.1); c.1012T>C, p.Tyr338His (NM_001385912.1); c.1606T>C, p.Tyr536His (NM_001385913.1); c.1177T>C, p.Tyr393His (NM_001385914.1); short protein forms Y394H, Y539H, Y338H, Y541H, Y393H, Y536H.
Identifiers: ClinVar variation 1976733 (VCV001976733.6), dbSNP rs750097367, ClinGen allele CA5019747.
Genomic context (GRCh38, chr9:32,481,357, plus strand): 5'-AGGTGCTGTGACCAGAATACGACTCTTAAAAAGAGGAACGTACCCGCAAATGTGAAGTGT[A>G]TAAAAACAGGGCTTTACAAATCCTGCTCTCTTCATCTTTGTCTGGCATCTGGAACACCAT-3'
Protein context (NP_055129.2, residues 531-551): ESRICKALFL[Tyr541His]TSHLRKYNDA

ClinVar aggregate classification (germline): Uncertain significance. Review status: criteria provided, multiple submitters, no conflicts (2 of 4 stars). 2 submissions from 2 submitters: Uncertain significance (2). Last evaluated 2025-08-22.

Conditions:
Inborn genetic diseases. Identifiers: MedGen C0950123, MeSH D030342.

Allele frequency attached by ClinVar (database versions not stated): gnomAD exomes below 0.00001; ExAC 0.00001.
gnomAD v4.1: 3 of 1,613,522 alleles (0.00019%); highest among the groups gnomAD compares: African/African-American, 0.0013%; no homozygotes.

Submissions (2):

Ambry Genetics
Classification: Uncertain significance for Inborn genetic diseases. Last evaluated: 2025-08-22. Review status: criteria provided, single submitter. Criteria: Ambry Variant Classification Scheme 2023. Collection method: clinical testing. Allele origin: germline.

Labcorp Genetics (formerly Invitae), Labcorp
Classification: Uncertain significance. Last evaluated: 2022-09-01. Review status: criteria provided, single submitter. Criteria: Invitae Variant Classification Sherloc (09022015). Collection method: clinical testing. Allele origin: germline.
Comment: This sequence change replaces tyrosine, which is neutral and polar, with histidine, which is basic and polar, at codon 541 of the DDX58 protein (p.Tyr541His). This variant is present in population databases (rs750097367, gnomAD 0.0009%). This variant has not been reported in the literature in individuals affected with DDX58-related conditions. Algorithms developed to predict the effect of missense changes on protein structure and function (SIFT, PolyPhen-2, Align-GVGD) all suggest that this variant is likely to be disruptive. In summary, the available evidence is currently insufficient to determine the role of this variant in disease. Therefore, it has been classified as a Variant of Uncertain Significance.